The following is an entry in ClinVar:

NM_001378452.1(ITPR1):c.1460G>A (p.Gly487Glu)

Gene: ITPR1 (inositol 1,4,5-trisphosphate receptor type 1; plus strand). Cytogenetic location: 3p26.1.
Variant type: single nucleotide variant.
Coding change: c.1460G>A on transcript NM_001378452.1 (MANE Select); coding-DNA position 1460, G replaced by A.
Protein change: p.Gly487Glu; replaces glycine 487 with glutamic acid.
Molecular consequence: missense variant.
Genome position (GRCh38, 1-based): chr3:4,663,112, G>A. VCF-style: chr3-4663112-G-A. GRCh37 (hg19) VCF-style: chr3-4704796-G-A.
Other names: c.1460G>A, p.Gly487Glu (NM_001099952.4); c.1415G>A, p.Gly472Glu (NM_001168272.2, NM_002222.7); short protein forms G487E, G472E.
Identifiers: ClinVar variation 2111300 (VCV002111300.4), dbSNP rs2470706057, ClinGen allele CA351641344.

ClinVar aggregate classification (germline): Uncertain significance (1 of 4 stars; one submission).

Submission:

Labcorp Genetics (formerly Invitae), Labcorp
Classification: Uncertain significance. Last evaluated: 2022-04-06. Review status: criteria provided, single submitter. Criteria: Invitae Variant Classification Sherloc (09022015). Collection method: clinical testing. Allele origin: germline.
Comment: This variant is not present in population databases (gnomAD no frequency). In summary, the available evidence is currently insufficient to determine the role of this variant in disease. Therefore, it has been classified as a Variant of Uncertain Significance. Algorithms developed to predict the effect of missense changes on protein structure and function are either unavailable or do not agree on the potential impact of this missense change (SIFT: "Deleterious"; PolyPhen-2: "Benign"; Align-GVGD: "Class C0"). This variant has not been reported in the literature in individuals affected with ITPR1-related conditions. This sequence change replaces glycine, which is neutral and non-polar, with glutamic acid, which is acidic and polar, at codon 472 of the ITPR1 protein (p.Gly472Glu).